The following continues an entry in ClinVar:

NM_001353108.3(CEP63):c.555G>C (p.Gln185His)

Gene: CEP63. ClinVar aggregate classification (germline): Benign. Benign (6).

Submissions 70 to 105 of 122:

Dr. Peter K. Rogan Lab, Western University
No classification provided (evidence only). Condition: Hepatocellular carcinoma. Review status: no classification provided. Collection method: in vitro. Allele origin: not applicable. Functional consequence: retained intron. Not counted in ClinVar's aggregate classification.

Dr. Peter K. Rogan Lab, Western University
No classification provided (evidence only). Condition: Hepatocellular carcinoma. Review status: no classification provided. Collection method: in vitro. Allele origin: not applicable. Functional consequence: retained intron. Not counted in ClinVar's aggregate classification.

Dr. Peter K. Rogan Lab, Western University
No classification provided (evidence only). Condition: Hepatocellular carcinoma. Review status: no classification provided. Collection method: in vitro. Allele origin: not applicable. Functional consequence: retained intron. Not counted in ClinVar's aggregate classification.

Dr. Peter K. Rogan Lab, Western University
No classification provided (evidence only). Condition: Hepatocellular carcinoma. Review status: no classification provided. Collection method: in vitro. Allele origin: not applicable. Functional consequence: retained intron. Not counted in ClinVar's aggregate classification.

Dr. Peter K. Rogan Lab, Western University
No classification provided (evidence only). Condition: Hepatocellular carcinoma. Review status: no classification provided. Collection method: in vitro. Allele origin: not applicable. Functional consequence: retained intron. Not counted in ClinVar's aggregate classification.

Dr. Peter K. Rogan Lab, Western University
No classification provided (evidence only). Condition: Hepatocellular carcinoma. Review status: no classification provided. Collection method: in vitro. Allele origin: not applicable. Functional consequence: skipped exon, retained intron. Not counted in ClinVar's aggregate classification.

Dr. Peter K. Rogan Lab, Western University
No classification provided (evidence only). Condition: Nonpapillary renal cell carcinoma. Review status: no classification provided. Collection method: in vitro. Allele origin: not applicable. Functional consequence: retained intron. Not counted in ClinVar's aggregate classification.

Dr. Peter K. Rogan Lab, Western University
No classification provided (evidence only). Condition: Nonpapillary renal cell carcinoma. Review status: no classification provided. Collection method: in vitro. Allele origin: not applicable. Functional consequence: retained intron. Not counted in ClinVar's aggregate classification.

Dr. Peter K. Rogan Lab, Western University
No classification provided (evidence only). Condition: Nonpapillary renal cell carcinoma. Review status: no classification provided. Collection method: in vitro. Allele origin: not applicable. Functional consequence: retained intron. Not counted in ClinVar's aggregate classification.

Dr. Peter K. Rogan Lab, Western University
No classification provided (evidence only). Condition: Thymoma. Review status: no classification provided. Collection method: in vitro. Allele origin: not applicable. Functional consequence: retained intron. Not counted in ClinVar's aggregate classification.

Dr. Peter K. Rogan Lab, Western University
No classification provided (evidence only). Condition: Thymoma. Review status: no classification provided. Collection method: in vitro. Allele origin: not applicable. Functional consequence: retained intron. Not counted in ClinVar's aggregate classification.

Dr. Peter K. Rogan Lab, Western University
No classification provided (evidence only). Condition: Thymoma. Review status: no classification provided. Collection method: in vitro. Allele origin: not applicable. Functional consequence: skipped exon, retained intron. Not counted in ClinVar's aggregate classification.

Dr. Peter K. Rogan Lab, Western University
No classification provided (evidence only). Condition: Thymoma. Review status: no classification provided. Collection method: in vitro. Allele origin: not applicable. Functional consequence: retained intron. Not counted in ClinVar's aggregate classification.

Dr. Peter K. Rogan Lab, Western University
No classification provided (evidence only). Condition: Thymoma. Review status: no classification provided. Collection method: in vitro. Allele origin: not applicable. Functional consequence: retained intron. Not counted in ClinVar's aggregate classification.

Dr. Peter K. Rogan Lab, Western University
No classification provided (evidence only). Condition: Cholangiocarcinoma. Review status: no classification provided. Collection method: in vitro. Allele origin: not applicable. Functional consequence: retained intron. Not counted in ClinVar's aggregate classification.

Dr. Peter K. Rogan Lab, Western University
No classification provided (evidence only). Condition: Cholangiocarcinoma. Review status: no classification provided. Collection method: in vitro. Allele origin: not applicable. Functional consequence: retained intron. Not counted in ClinVar's aggregate classification.

Dr. Peter K. Rogan Lab, Western University
No classification provided (evidence only). Condition: Cholangiocarcinoma. Review status: no classification provided. Collection method: in vitro. Allele origin: not applicable. Functional consequence: retained intron. Not counted in ClinVar's aggregate classification.

Dr. Peter K. Rogan Lab, Western University
No classification provided (evidence only). Condition: Cholangiocarcinoma. Review status: no classification provided. Collection method: in vitro. Allele origin: not applicable. Functional consequence: retained intron. Not counted in ClinVar's aggregate classification.

Dr. Peter K. Rogan Lab, Western University
No classification provided (evidence only). Condition: Cholangiocarcinoma. Review status: no classification provided. Collection method: in vitro. Allele origin: not applicable. Functional consequence: retained intron. Not counted in ClinVar's aggregate classification.

Dr. Peter K. Rogan Lab, Western University
No classification provided (evidence only). Condition: Adrenocortical carcinoma, hereditary. Review status: no classification provided. Collection method: in vitro. Allele origin: not applicable. Functional consequence: retained intron. Not counted in ClinVar's aggregate classification.

Dr. Peter K. Rogan Lab, Western University
No classification provided (evidence only). Condition: Adrenocortical carcinoma, hereditary. Review status: no classification provided. Collection method: in vitro. Allele origin: not applicable. Functional consequence: retained intron. Not counted in ClinVar's aggregate classification.

Dr. Peter K. Rogan Lab, Western University
No classification provided (evidence only). Condition: Adrenocortical carcinoma, hereditary. Review status: no classification provided. Collection method: in vitro. Allele origin: not applicable. Functional consequence: skipped exon, retained intron. Not counted in ClinVar's aggregate classification.

Dr. Peter K. Rogan Lab, Western University
No classification provided (evidence only). Condition: Adrenocortical carcinoma, hereditary. Review status: no classification provided. Collection method: in vitro. Allele origin: not applicable. Functional consequence: retained intron. Not counted in ClinVar's aggregate classification.

Dr. Peter K. Rogan Lab, Western University
No classification provided (evidence only). Condition: Adrenocortical carcinoma, hereditary. Review status: no classification provided. Collection method: in vitro. Allele origin: not applicable. Functional consequence: skipped exon, retained intron. Not counted in ClinVar's aggregate classification.

Dr. Peter K. Rogan Lab, Western University
No classification provided (evidence only). Condition: Uterine carcinosarcoma. Review status: no classification provided. Collection method: in vitro. Allele origin: not applicable. Functional consequence: retained intron. Not counted in ClinVar's aggregate classification.

Dr. Peter K. Rogan Lab, Western University
No classification provided (evidence only). Condition: Uterine carcinosarcoma. Review status: no classification provided. Collection method: in vitro. Allele origin: not applicable. Functional consequence: retained intron. Not counted in ClinVar's aggregate classification.

Dr. Peter K. Rogan Lab, Western University
No classification provided (evidence only). Condition: Uveal melanoma. Review status: no classification provided. Collection method: in vitro. Allele origin: not applicable. Functional consequence: retained intron. Not counted in ClinVar's aggregate classification.

Dr. Peter K. Rogan Lab, Western University
No classification provided (evidence only). Condition: Malignant tumor of esophagus. Review status: no classification provided. Collection method: in vitro. Allele origin: not applicable. Functional consequence: retained intron. Not counted in ClinVar's aggregate classification.

Dr. Peter K. Rogan Lab, Western University
No classification provided (evidence only). Condition: Malignant tumor of esophagus. Review status: no classification provided. Collection method: in vitro. Allele origin: not applicable. Functional consequence: retained intron. Not counted in ClinVar's aggregate classification.

Dr. Peter K. Rogan Lab, Western University
No classification provided (evidence only). Condition: Malignant tumor of esophagus. Review status: no classification provided. Collection method: in vitro. Allele origin: not applicable. Functional consequence: retained intron. Not counted in ClinVar's aggregate classification.

Dr. Peter K. Rogan Lab, Western University
No classification provided (evidence only). Condition: Malignant tumor of esophagus. Review status: no classification provided. Collection method: in vitro. Allele origin: not applicable. Functional consequence: skipped exon, retained intron. Not counted in ClinVar's aggregate classification.

Dr. Peter K. Rogan Lab, Western University
No classification provided (evidence only). Condition: Malignant tumor of esophagus. Review status: no classification provided. Collection method: in vitro. Allele origin: not applicable. Functional consequence: skipped exon, retained intron. Not counted in ClinVar's aggregate classification.

Dr. Peter K. Rogan Lab, Western University
No classification provided (evidence only). Condition: Chronic lymphocytic leukemia/small lymphocytic lymphoma. Review status: no classification provided. Collection method: in vitro. Allele origin: not applicable. Functional consequence: retained intron. Not counted in ClinVar's aggregate classification.

Dr. Peter K. Rogan Lab, Western University
No classification provided (evidence only). Condition: Chronic lymphocytic leukemia/small lymphocytic lymphoma. Review status: no classification provided. Collection method: in vitro. Allele origin: not applicable. Functional consequence: retained intron. Not counted in ClinVar's aggregate classification.

Dr. Peter K. Rogan Lab, Western University
No classification provided (evidence only). Condition: Chronic lymphocytic leukemia/small lymphocytic lymphoma. Review status: no classification provided. Collection method: in vitro. Allele origin: not applicable. Functional consequence: retained intron. Not counted in ClinVar's aggregate classification.

Dr. Peter K. Rogan Lab, Western University
No classification provided (evidence only). Condition: Chronic lymphocytic leukemia/small lymphocytic lymphoma. Review status: no classification provided. Collection method: in vitro. Allele origin: not applicable. Functional consequence: retained intron. Not counted in ClinVar's aggregate classification.